The following is an entry in ClinVar:

NM_006231.4(POLE):c.3122G>C (p.Arg1041Pro)

Gene: POLE (DNA polymerase epsilon, catalytic subunit; minus strand). Cytogenetic location: 12q24.33.
Variant type: single nucleotide variant.
Coding change: c.3122G>C on transcript NM_006231.4 (MANE Select); coding-DNA position 3122, G replaced by C.
Protein change: p.Arg1041Pro; replaces arginine 1041 with proline.
Molecular consequence: missense variant.
Genome position (GRCh38, 1-based): chr12:132,659,448, C>G on the plus strand (G>C on the coding strand, the complement: POLE is on the minus strand). VCF-style: chr12-132659448-C-G. GRCh37 (hg19) VCF-style: chr12-133236034-C-G.
Other names: short protein forms R1041P.
Identifiers: ClinVar variation 2821023 (VCV002821023.3), dbSNP rs774645622, ClinGen allele CA387391660.

ClinVar aggregate classification (germline): Uncertain significance (1 of 4 stars; one submission).

Submission:

Labcorp Genetics (formerly Invitae), Labcorp
Classification: Uncertain significance. Last evaluated: 2024-06-25. Review status: criteria provided, single submitter. Criteria: Invitae Variant Classification Sherloc (09022015). Collection method: clinical testing. Allele origin: germline.
Comment: This sequence change replaces arginine, which is basic and polar, with proline, which is neutral and non-polar, at codon 1041 of the POLE protein (p.Arg1041Pro). This variant is not present in population databases (gnomAD no frequency). This variant has not been reported in the literature in individuals affected with POLE-related conditions. Advanced modeling of protein sequence and biophysical properties (such as structural, functional, and spatial information, amino acid conservation, physicochemical variation, residue mobility, and thermodynamic stability) performed at Invitae indicates that this missense variant is expected to disrupt POLE protein function with a positive predictive value of 80%. In summary, the available evidence is currently insufficient to determine the role of this variant in disease. Therefore, it has been classified as a Variant of Uncertain Significance.